The following is an entry in ClinVar:

ClinVar aggregate classification (germline): Pathogenic (1 of 4 stars; one submission).

Conditions:
Breast-ovarian cancer, familial, susceptibility to, 2 (BROVCA2). Also called: BRCA2 Hereditary Breast and Ovarian Cancer. Identifiers: Orphanet 145, MedGen C2675520, MONDO:0012933, OMIM 612555. Disease mechanism: loss of function.

Submission:

Myriad Genetics, Inc.
Classification: Pathogenic for Breast-ovarian cancer, familial, susceptibility to, 2. Last evaluated: 2024-03-06. Review status: criteria provided, single submitter. Criteria: Myriad Autosomal Dominant, Autosomal Recessive and X-Linked Classification Criteria (2023). Collection method: clinical testing. Allele origin: unknown.
Comment: This variant is considered pathogenic. This variant creates a frameshift predicted to result in premature protein truncation.

NM_000059.4(BRCA2):c.5843del (p.Cys1948fs)

Gene: BRCA2 (BRCA2 DNA repair associated; plus strand). Cytogenetic location: 13q13.1.
Variant type: Deletion.
Coding change: c.5843del on transcript NM_000059.4 (MANE Select); coding-DNA position 5843, one base deleted (G; older notation c.5843delG).
Protein change: p.Cys1948fs; shifts the reading frame from cysteine 1948.
Molecular consequence: frameshift variant. On other transcripts: non-coding transcript variant (1), intron variant (2).
Genome position (GRCh38, 1-based): chr13:32,340,198, G deleted. VCF-style (leftmost placement, unchanged base first): chr13-32340197-TG-T. GRCh37 (hg19) VCF-style: chr13-32914334-TG-T.
Other names: c.5843del, p.Cys1948fs (NM_001406719.1, NM_001406720.1); c.1910-4360del (NM_001406721.1); c.425-4360del (NM_001406722.1); short protein forms C1948fs.
Identifiers: ClinVar variation 3148720 (VCV003148720.1), dbSNP rs2548531905, ClinGen allele CA2825002107.
Genomic context (GRCh38, chr13:32,340,197, plus strand): 5'-GAAATTTTACAACATAACCAAAATATGTCTGGATTGGAGAAAGTTTCTAAAATATCACCT[TG>T]TGATGTTAGTTTGGAAACTTCAGATATATGTAAATGTAGTATAGGGAAGCTTCATAAGTC-3'